The following is an entry in ClinVar:

NM_014975.3(MAST1):c.1486C>T (p.Arg496Cys)

Gene: MAST1 (microtubule associated serine/threonine kinase 1; plus strand). Cytogenetic location: 19p13.13.
Variant type: single nucleotide variant.
Coding change: c.1486C>T on transcript NM_014975.3 (MANE Select); coding-DNA position 1486, C replaced by T.
Protein change: p.Arg496Cys; replaces arginine 496 with cysteine.
Molecular consequence: missense variant.
Genome position (GRCh38, 1-based): chr19:12,864,928, C>T. VCF-style: chr19-12864928-C-T. GRCh37 (hg19) VCF-style: chr19-12975742-C-T.
Other names: short protein forms R496C.
Identifiers: ClinVar variation 4531705 (VCV004531705.3).

ClinVar aggregate classification (germline): Conflicting classifications of pathogenicity. Review status: criteria provided, conflicting classifications (1 of 4 stars). 2 submissions from 2 submitters: Likely pathogenic (1); Uncertain significance (1). Last evaluated 2026-05-01.

Conditions:
Mega-corpus-callosum syndrome with cerebellar hypoplasia and cortical malformations. Identifiers: MedGen C4748927, MONDO:0032648, OMIM 618273.

Submissions (2):

CeGaT Center for Human Genetics Tuebingen
Classification: Uncertain significance. Last evaluated: 2026-05-01. Review status: criteria provided, single submitter. Criteria: CeGaT Center For Human Genetics Tuebingen Variant Classification Criteria Version 2. Collection method: clinical testing. Allele origin: germline. Affected: yes. Observed: 1 variant allele.
Comment: MAST1: PM2, PM1:Supporting, PP2

Victorian Clinical Genetics Services, Murdoch Childrens Research Institute
Classification: Likely pathogenic for Mega-corpus-callosum syndrome with cerebellar hypoplasia and cortical malformations. Last evaluated: 2025-03-24. Review status: criteria provided, single submitter. Criteria: ACMG Guidelines, 2015. Collection method: clinical testing. Allele origin: germline. Affected: yes.
Comment: This variant is classified as Likely pathogenic. Evidence in support of pathogenic classification: Variant is absent from gnomAD (v2, v3 and v4); Missense variant in a region that is highly intolerant to missense variation (high constraint region in DECIPHER); Missense variant predicted to be damaging by in silico tool(s) or highly conserved with a major amino acid change; Additional information: Variant is predicted to result in a missense amino acid change from arginine to cysteine; This variant is heterozygous; This gene is associated with autosomal dominant disease; Alternative amino acid change(s) at the same position are present in gnomAD (Highest allele count: v4: 1 heterozygote(s), 0 homozygote(s)); This variant has no previous evidence of pathogenicity; No published segregation evidence has been identified for this variant; No published functional evidence has been identified for this variant; Another missense variant comparable to the one identified in this case has inconclusive previous evidence for pathogenicity. The p.(Arg496His) variant has been reported in the literature as de novo in an individual with syndromic craniosynostosis (PMID: 37086723); The mechanism of disease for this gene is not clearly established. However, dominant negative and gain of function have been suggested (PMID: 32198973, PMID: 30449657).

Literature cited by the submitters: PubMed 30449657 (cited by Victorian Clinical Genetics Services, Murdoch Childrens Research Institute); PubMed 32198973 (cited by Victorian Clinical Genetics Services, Murdoch Childrens Research Institute); PubMed 37086723 (cited by Victorian Clinical Genetics Services, Murdoch Childrens Research Institute).